The following is an entry in ClinVar:

NM_001378778.1(MPDZ):c.1382G>A (p.Arg461Lys)

Gene: MPDZ (multiple PDZ domain crumbs cell polarity complex component; minus strand). Cytogenetic location: 9p23.
Variant type: single nucleotide variant.
Coding change: c.1382G>A on transcript NM_001378778.1 (MANE Select); coding-DNA position 1382, G replaced by A.
Protein change: p.Arg461Lys; replaces arginine 461 with lysine.
Molecular consequence: missense variant.
Genome position (GRCh38, 1-based): chr9:13,206,008, C>T on the plus strand (G>A on the coding strand, the complement: MPDZ is on the minus strand). VCF-style: chr9-13206008-C-T. GRCh37 (hg19) VCF-style: chr9-13206007-C-T.
Other names: c.1382G>A (NM_003829.3); c.1382G>A, p.Arg461Lys (NM_001261406.2, NM_001261407.2, NM_001330637.2 and 14 more transcripts); short protein forms R461K.
Identifiers: ClinVar variation 2133176 (VCV002133176.5), dbSNP rs376247052, ClinGen allele CA4987794.

ClinVar aggregate classification (germline): Uncertain significance. Review status: criteria provided, multiple submitters, no conflicts (2 of 4 stars). 2 submissions from 2 submitters: Uncertain significance (2). Last evaluated 2025-08-20.

Conditions:
Inborn genetic diseases. Identifiers: MedGen C0950123, MeSH D030342.

Allele frequency attached by ClinVar (database versions not stated): gnomAD exomes below 0.00001; ExAC 0.00002; ESP Exome Variant Server 0.00008.
gnomAD v4.1: 1 of 1,612,704 alleles (0.000062%); highest among the groups gnomAD compares: African/African-American, 0.0013%; no homozygotes.

Submissions (2):

Ambry Genetics
Classification: Uncertain significance for Inborn genetic diseases. Last evaluated: 2025-08-20. Review status: criteria provided, single submitter. Criteria: Ambry Variant Classification Scheme 2023. Collection method: clinical testing. Allele origin: germline.

Labcorp Genetics (formerly Invitae), Labcorp
Classification: Uncertain significance. Last evaluated: 2022-07-08. Review status: criteria provided, single submitter. Criteria: Invitae Variant Classification Sherloc (09022015). Collection method: clinical testing. Allele origin: germline.
Comment: In summary, the available evidence is currently insufficient to determine the role of this variant in disease. Therefore, it has been classified as a Variant of Uncertain Significance. Algorithms developed to predict the effect of missense changes on protein structure and function (SIFT, PolyPhen-2, Align-GVGD) all suggest that this variant is likely to be disruptive. This variant has not been reported in the literature in individuals affected with MPDZ-related conditions. This variant is present in population databases (rs376247052, gnomAD 0.002%). This sequence change replaces arginine, which is basic and polar, with lysine, which is basic and polar, at codon 461 of the MPDZ protein (p.Arg461Lys).